The following is an entry in ClinVar:

NM_000157.4(GBA1):c.1389-2A>G

Genes: GBA1 (glucosylceramidase beta 1; minus strand), LOC106627981 (GBA recombination region; plus strand). Cytogenetic location: 1q22.
Variant type: single nucleotide variant.
Coding change: c.1389-2A>G on transcript NM_000157.4 (MANE Select); the canonical splice acceptor site of the intron before coding-DNA position 1389, A replaced by G.
Molecular consequence: splice acceptor variant.
Genome position (GRCh38, 1-based): chr1:155,235,313, T>C on the plus strand (A>G on the coding strand, the complement: GBA1 is on the minus strand). VCF-style: chr1-155235313-T-C. GRCh37 (hg19) VCF-style: chr1-155205104-T-C.
Other names: c.1128-2A>G (NM_001171811.2); c.1389-2A>G (NM_001005742.3, NM_001005741.3); c.1242-2A>G (NM_001171812.2).
Identifiers: ClinVar variation 4537286 (VCV004537286.1).

ClinVar aggregate classification (germline): Pathogenic (1 of 4 stars; one submission).

Conditions:
Gaucher disease. Also called: Acute cerebral Gaucher disease; Cerebroside lipidosis syndrome; Gaucher splenomegaly; Sphingolipidosis 1; Glucocerebrosidosis; Glucosylceramidase deficiency. Identifiers: Orphanet 355, MedGen C0017205, MONDO:0018150.

Submission:

Women's Health and Genetics/Laboratory Corporation of America, LabCorp
Classification: Pathogenic for Gaucher disease. Last evaluated: 2025-11-20. Review status: criteria provided, single submitter. Criteria: LabCorp Variant Classification Summary - May 2015. Collection method: clinical testing. Allele origin: germline.
Comment: Variant summary: GBA1 c.1389-2A>G is located in a canonical splice-site and is predicted to affect mRNA splicing resulting in a significantly altered protein due to either exon skipping, shortening, or inclusion of intronic material. Variants that disrupt the consensus splice site are a relatively common cause of aberrant splicing and loss of GBA1 function. Several computational tools predict a significant impact on normal splicing: Three predict the variant abolishes the canonical 3' acceptor site. However, these predictions have yet to be confirmed by functional studies. The variant was absent in 249180 control chromosomes. To our knowledge, no occurrence of c.1389-2A>G in individuals affected with GBA1-related conditions and no experimental evidence demonstrating its impact on protein function have been reported. No submitters have cited clinical-significance assessments for this variant to ClinVar. A pathogenic splice-site variant, GBA1 c.1389-1G>A, at the same acceptor splice-site has been reported in the literature in a compound heterozygous individual affected with Gaucher disease, along with functional evidence supporting the pathogencity of this variant (PMID: 24022302). Based on the evidence outlined above, the variant was classified as pathogenic.